The following is an entry in ClinVar:

ClinVar aggregate classification (germline): Uncertain significance (1 of 4 stars; one submission).

Submission:

Labcorp Genetics (formerly Invitae), Labcorp
Classification: Uncertain significance. Last evaluated: 2019-06-16. Review status: criteria provided, single submitter. Criteria: Invitae Variant Classification Sherloc (09022015). Collection method: clinical testing. Allele origin: germline.
Comment: In summary, the available evidence is currently insufficient to determine the role of this variant in disease. Therefore, it has been classified as a Variant of Uncertain Significance. Algorithms developed to predict the effect of missense changes on protein structure and function output the following: SIFT: "Tolerated"; PolyPhen-2: "Benign"; Align-GVGD: "Class C0". The threonine amino acid residue is found in multiple mammalian species, suggesting that this missense change does not adversely affect protein function. These predictions have not been confirmed by published functional studies and their clinical significance is uncertain. This variant has not been reported in the literature in individuals with POLE-related conditions. This variant is not present in population databases (ExAC no frequency). This sequence change replaces isoleucine with threonine at codon 2257 of the POLE protein (p.Ile2257Thr). The isoleucine residue is weakly conserved and there is a moderate physicochemical difference between isoleucine and threonine.

NM_006231.4(POLE):c.6770T>C (p.Ile2257Thr)

Gene: POLE (DNA polymerase epsilon, catalytic subunit; minus strand). Cytogenetic location: 12q24.33.
Variant type: single nucleotide variant.
Coding change: c.6770T>C on transcript NM_006231.4 (MANE Select); coding-DNA position 6770, T replaced by C.
Protein change: p.Ile2257Thr; replaces isoleucine 2257 with threonine.
Molecular consequence: missense variant.
Genome position (GRCh38, 1-based): chr12:132,624,788, A>G on the plus strand (T>C on the coding strand, the complement: POLE is on the minus strand). VCF-style: chr12-132624788-A-G. GRCh37 (hg19) VCF-style: chr12-133201374-A-G.
Other names: short protein forms I2257T.
Identifiers: ClinVar variation 934758 (VCV000934758.9), dbSNP rs2041795747, ClinGen allele CA387365852.